The following is an entry in ClinVar:

NM_032578.4(MYPN):c.1484-336C>T

Gene: MYPN (myopalladin; plus strand). Cytogenetic location: 10q21.3.
Variant type: single nucleotide variant.
Coding change: c.1484-336C>T on transcript NM_032578.4 (MANE Select); 336 bases into the intron before coding-DNA position 1484, C replaced by T.
Molecular consequence: intron variant.
Genome position (GRCh38, 1-based): chr10:68,165,366, C>T. VCF-style: chr10-68165366-C-T. GRCh37 (hg19) VCF-style: chr10-69925123-C-T.
Other names: c.1484-336C>T (NM_001256267.2); c.602-336C>T (NM_001256268.2).
Identifiers: ClinVar variation 683665 (VCV000683665.2), dbSNP rs10823146, ClinGen allele CA13193300.

ClinVar aggregate classification (germline): Benign. Review status: criteria provided, multiple submitters, no conflicts (2 of 4 stars). 2 submissions from 2 submitters: Benign (2). Last evaluated 2018-06-19.

Allele frequency attached by ClinVar (database versions not stated): 1000 Genomes Project 30x 0.31871; 1000 Genomes Project 0.32149; TOPMed 0.38012; gnomAD 0.41721.
gnomAD v4.1: 190,172 of 423,440 alleles (45%); highest among the groups gnomAD compares: Non-Finnish European, 53%; 46,096 homozygotes.

Submissions (2):

GeneDx
Classification: Benign. Last evaluated: 2018-06-19. Review status: criteria provided, single submitter. Criteria: GeneDx Variant Classification (06012015). Collection method: clinical testing. Allele origin: germline. Affected: yes.
Comment: This variant is considered likely benign or benign based on one or more of the following criteria: it is a conservative change, it occurs at a poorly conserved position in the protein, it is predicted to be benign by multiple in silico algorithms, and/or has population frequency not consistent with disease.

Breakthrough Genomics
Classification: Benign. Review status: criteria provided, single submitter. Criteria: ACMG Guidelines, 2015. Collection method: not provided. Allele origin: germline. Inheritance: Autosomal recessive inheritance. Affected: yes.